The following is an entry in ClinVar:

NM_012338.4(TSPAN12):c.302T>A (p.Leu101His)

Gene: TSPAN12 (tetraspanin 12; minus strand). Cytogenetic location: 7q31.31.
Variant type: single nucleotide variant.
Coding change: c.302T>A on transcript NM_012338.4 (MANE Select); coding-DNA position 302, T replaced by A.
Protein change: p.Leu101His; replaces leucine 101 with histidine.
Molecular consequence: missense variant.
Genome position (GRCh38, 1-based): chr7:120,815,787, A>T on the plus strand (T>A on the coding strand, the complement: TSPAN12 is on the minus strand). VCF-style: chr7-120815787-A-T. GRCh37 (hg19) VCF-style: chr7-120455841-A-T.
Other names: short protein forms L101H.
Identifiers: ClinVar variation 324 (VCV000000324.12), dbSNP rs267607152, ClinGen allele CA251426.

ClinVar aggregate classification (germline): Likely pathogenic. Review status: criteria provided, multiple submitters, no conflicts (2 of 4 stars). 4 submissions from 4 submitters: Likely pathogenic (3). 1 of the submissions does not count toward it. Last evaluated 2026-03-03.

Conditions:
TSPAN12-related disorder. Also called: TSPAN12-related condition.
Exudative vitreoretinopathy 5 (EVR5). Identifiers: Orphanet 891, MedGen C2750079, MONDO:0013218, OMIM 613310.

gnomAD v4.1: 13 of 1,612,968 alleles (0.00081%); highest among the groups gnomAD compares: Non-Finnish European, 0.0011%; no homozygotes.

Submissions (4):

PreventionGenetics, part of Exact Sciences
Classification: Likely pathogenic for TSPAN12-related condition. Last evaluated: 2026-03-03. Review status: criteria provided, single submitter. Criteria: ACMG Guidelines, 2015. Collection method: clinical testing. Allele origin: germline.
Comment: The TSPAN12 c.302T>A variant is predicted to result in the amino acid substitution p.Leu101His. This variant has been reported in a father and son affected with familial exudative vitreoretinopathy (FEVR; Poulter et al. 2010. PubMed ID: 20159112) and has also been reported in independent large cohorts of individuals with FEVR (supplementary data, Sun et al. 2021. PubMed ID: 33907885; Tuncay et al. 2025. PubMed ID: 39903177). This variant was observed in three affected individuals from three generations of a family with FEVR (PreventionGenetics internal data). This variant is predicted to have a damaging effect on the encoded protein (Liu et al. 2016. PMID:26555599), and a reporter assay suggests this variant has an impact on TSPAN12 signaling and trafficking (Lai et al. 2017. PubMed ID: 28658627). This variant is absent in a large population database (gnomAD), indicating it is rare. This variant is interpreted as likely pathogenic.

Labcorp Genetics (formerly Invitae), Labcorp
Classification: Likely pathogenic. Last evaluated: 2025-02-19. Review status: criteria provided, single submitter. Criteria: Invitae Variant Classification Sherloc (09022015). Collection method: clinical testing. Allele origin: germline.
Comment: This sequence change replaces leucine, which is neutral and non-polar, with histidine, which is basic and polar, at codon 101 of the TSPAN12 protein (p.Leu101His). This variant is not present in population databases (gnomAD no frequency). This missense change has been observed in individuals with familial exudative vitreoretinopathy (PMID: 20159112, 33907885; internal data). ClinVar contains an entry for this variant (Variation ID: 324). Invitae Evidence Modeling of protein sequence and biophysical properties (such as structural, functional, and spatial information, amino acid conservation, physicochemical variation, residue mobility, and thermodynamic stability) indicates that this missense variant is expected to disrupt TSPAN12 protein function with a positive predictive value of 80%. In summary, the currently available evidence indicates that the variant is pathogenic, but additional data are needed to prove that conclusively. Therefore, this variant has been classified as Likely Pathogenic.

Blueprint Genetics
Classification: Likely pathogenic for TSPAN12-related disorders. Last evaluated: 2022-05-04. Review status: criteria provided, single submitter. Criteria: ACMG Guidelines, 2015. Collection method: clinical testing. Allele origin: germline. Affected: yes. Observed: 2 variant alleles.

OMIM
Classification: Pathogenic for EXUDATIVE VITREORETINOPATHY 5. Last evaluated: 2010-02-12. Review status: no assertion criteria provided. Collection method: literature only. Allele origin: germline. Not counted in ClinVar's aggregate classification.

Literature cited by the submitters: PubMed 20159112 (cited by Labcorp Genetics (formerly Invitae), Labcorp and OMIM); PubMed 33907885 (cited by Labcorp Genetics (formerly Invitae), Labcorp).